The following is an entry in ClinVar:

ClinVar aggregate classification (germline): Uncertain significance (1 of 4 stars; one submission).

Conditions:
Inborn genetic diseases. Identifiers: MedGen C0950123, MeSH D030342.

Submission:

Ambry Genetics
Classification: Uncertain significance for Inborn genetic diseases. Last evaluated: 2025-11-10. Review status: criteria provided, single submitter. Criteria: Ambry Variant Classification Scheme 2023. Collection method: clinical testing. Allele origin: germline.
Comment: The p.N265Y variant (also known as c.793A>T), located in coding exon 1 of the SAMD9 gene, results from an A to T substitution at nucleotide position 793. The asparagine at codon 265 is replaced by tyrosine, an amino acid with dissimilar properties. This amino acid position is conserved. In addition, this alteration is predicted to be tolerated by in silico analysis. Based on the available evidence, the clinical significance of this variant remains unclear.

NM_017654.4(SAMD9):c.793A>T (p.Asn265Tyr)

Gene: SAMD9 (sterile alpha motif domain containing 9; minus strand). Cytogenetic location: 7q21.2.
Variant type: single nucleotide variant.
Coding change: c.793A>T on transcript NM_017654.4 (MANE Select); coding-DNA position 793, A replaced by T.
Protein change: p.Asn265Tyr; replaces asparagine 265 with tyrosine.
Molecular consequence: missense variant.
Genome position (GRCh38, 1-based): chr7:93,105,305, T>A on the plus strand (A>T on the coding strand, the complement: SAMD9 is on the minus strand). VCF-style: chr7-93105305-T-A. GRCh37 (hg19) VCF-style: chr7-92734618-T-A.
Other names: c.793A>T, p.Asn265Tyr (NM_001193307.2); short protein forms N265Y.
Identifiers: ClinVar variation 4629936 (VCV004629936.1).
Genomic context (GRCh38, chr7:93,105,305, plus strand): 5'-GAATGCACTTCTTTGCTTGTTGGACTTGATGGTCTTCAAAATACTTGTTTATCATCAGAT[T>A]GAAATGGTTAATGAGGGCTTCCTTGGTATCATTGGTGACTTTGATGCCAACAATTTTCCC-3'
Protein context (NP_060124.2, residues 255-275): DTKEALINHF[Asn265Tyr]LMINKYFEDH